The following is an entry in ClinVar:

NM_177438.3(DICER1):c.4168G>T (p.Asp1390Tyr)

Gene: DICER1 (dicer 1, ribonuclease III; minus strand). Cytogenetic location: 14q32.13.
Variant type: single nucleotide variant.
Coding change: c.4168G>T on transcript NM_177438.3 (MANE Select); coding-DNA position 4168, G replaced by T.
Protein change: p.Asp1390Tyr; replaces aspartic acid 1390 with tyrosine.
Molecular consequence: missense variant. On other transcripts: non-coding transcript variant (6).
Genome position (GRCh38, 1-based): chr14:95,099,818, C>A on the plus strand (G>T on the coding strand, the complement: DICER1 is on the minus strand). VCF-style: chr14-95099818-C-A. GRCh37 (hg19) VCF-style: chr14-95566155-C-A.
Other names: c.4168G>T, p.Asp1390Tyr (NM_001195573.1, NM_001271282.3, NM_001291628.2 and 13 more transcripts); c.3886G>T, p.Asp1296Tyr (NM_001395686.1); c.3763G>T, p.Asp1255Tyr (NM_001395687.1, NM_001395688.1, NM_001395689.1 and 2 more transcripts); c.3601G>T, p.Asp1201Tyr (NM_001395691.1); c.2485G>T, p.Asp829Tyr (NM_001395697.1); short protein forms D1390Y, D1255Y, D1296Y, D1201Y, D829Y.
Identifiers: ClinVar variation 2566212 (VCV002566212.2), dbSNP rs2139901367, ClinGen allele CA390871853.

ClinVar aggregate classification (germline): Uncertain significance (1 of 4 stars; one submission).

Conditions:
Hereditary cancer-predisposing syndrome. Also called: Neoplastic Syndromes, Hereditary; Hereditary Cancer Syndrome; Hereditary neoplastic syndrome; Tumor predisposition. Identifiers: Orphanet 140162, MedGen C0027672, MeSH D009386, MONDO:0015356.

Submission:

Ambry Genetics
Classification: Uncertain significance for Hereditary cancer-predisposing syndrome. Last evaluated: 2023-05-26. Review status: criteria provided, single submitter. Criteria: Ambry Variant Classification Scheme 2023. Collection method: clinical testing. Allele origin: germline.
Comment: The p.D1390Y variant (also known as c.4168G>T), located in coding exon 21 of the DICER1 gene, results from a G to T substitution at nucleotide position 4168. The aspartic acid at codon 1390 is replaced by tyrosine, an amino acid with highly dissimilar properties. This amino acid position is conserved. In addition, this alteration is predicted to be deleterious by in silico analysis. Since supporting evidence is limited at this time, the clinical significance of this alteration remains unclear.